The following is an entry in ClinVar:

ClinVar aggregate classification (germline): Uncertain significance (1 of 4 stars; one submission).

Submission:

GeneDx
Classification: Uncertain significance. Last evaluated: 2024-07-18. Review status: criteria provided, single submitter. Criteria: GeneDx Variant Classification Process June 2021. Collection method: clinical testing. Allele origin: germline. Affected: yes.
Comment: Not observed at significant frequency in large population cohorts (gnomAD); In silico analysis indicates that this missense variant does not alter protein structure/function; Has not been previously published as pathogenic or benign to our knowledge

NM_002911.4(UPF1):c.1679C>T (p.Ala560Val)

Gene: UPF1 (UPF1 RNA helicase and ATPase; plus strand). Cytogenetic location: 19p13.11.
Variant type: single nucleotide variant.
Coding change: c.1679C>T on transcript NM_002911.4 (MANE Select); coding-DNA position 1679, C replaced by T.
Protein change: p.Ala560Val; replaces alanine 560 with valine.
Molecular consequence: missense variant.
Genome position (GRCh38, 1-based): chr19:18,856,059, C>T. VCF-style: chr19-18856059-C-T. GRCh37 (hg19) VCF-style: chr19-18966868-C-T.
Other names: c.1712C>T, p.Ala571Val (NM_001297549.2); short protein forms A560V, A571V.
Identifiers: ClinVar variation 3573884 (VCV003573884.1).